The following is an entry in ClinVar:

NM_001142864.4(PIEZO1):c.4617G>T (p.Met1539Ile)

Gene: PIEZO1 (piezo type mechanosensitive ion channel component 1 (Er blood group); minus strand). Cytogenetic location: 16q24.3.
Variant type: single nucleotide variant.
Coding change: c.4617G>T on transcript NM_001142864.4 (MANE Select); coding-DNA position 4617, G replaced by T.
Protein change: p.Met1539Ile; replaces methionine 1539 with isoleucine.
Molecular consequence: missense variant.
Genome position (GRCh38, 1-based): chr16:88,722,888, C>A on the plus strand (G>T on the coding strand, the complement: PIEZO1 is on the minus strand). VCF-style: chr16-88722888-C-A. GRCh37 (hg19) VCF-style: chr16-88789296-C-A.
Other names: short protein forms M1539I.
Identifiers: ClinVar variation 4709247 (VCV004709247.1).

ClinVar aggregate classification (germline): Uncertain significance (1 of 4 stars; one submission).

Submission:

Labcorp Genetics (formerly Invitae), Labcorp
Classification: Uncertain significance. Last evaluated: 2025-09-30. Review status: criteria provided, single submitter. Criteria: Invitae Variant Classification Sherloc (09022015). Collection method: clinical testing. Allele origin: germline.
Comment: This sequence change replaces methionine, which is neutral and non-polar, with isoleucine, which is neutral and non-polar, at codon 1539 of the PIEZO1 protein (p.Met1539Ile). This variant is not present in population databases (gnomAD no frequency). This variant has not been reported in the literature in individuals affected with PIEZO1-related conditions. Invitae Evidence Modeling of protein sequence and biophysical properties (such as structural, functional, and spatial information, amino acid conservation, physicochemical variation, residue mobility, and thermodynamic stability) indicates that this missense variant is not expected to disrupt PIEZO1 protein function with a negative predictive value of 95%. In summary, the available evidence is currently insufficient to determine the role of this variant in disease. Therefore, it has been classified as a Variant of Uncertain Significance.